The following is an entry in ClinVar:

ClinVar aggregate classification (germline): Pathogenic/Likely pathogenic. Review status: criteria provided, multiple submitters, no conflicts (2 of 4 stars). 18 submissions from 18 submitters: Pathogenic (16); Likely pathogenic (1). 1 of the submissions does not count toward it. Last evaluated 2026-08-01.

Conditions:
Fanconi anemia complementation group J. Also called: BRIP1-Related Fanconi Anemia. Identifiers: Orphanet 84, MedGen C1836860, MONDO:0012187, OMIM 609054.
Ovarian cancer. Also called: OVARIAN CANCER, SOMATIC. Identifiers: Orphanet 213500, MedGen C1140680, MONDO:0008170, OMIM 167000.
Familial ovarian cancer. Identifiers: MedGen C5679802, MONDO:0016248.
BRIP1-related disorder. Also called: BRIP1-related condition; BRIP1-related disorders. Identifiers: MedGen CN239206.
Familial cancer of breast. Also called: hereditary breast carcinoma; BREAST CANCER, FAMILIAL; Hereditary breast cancer. Identifiers: Orphanet 227535, MedGen C0346153, MONDO:0016419, OMIM 114480. Disease mechanism: loss of function.
Hereditary cancer-predisposing syndrome. Also called: Hereditary neoplastic syndrome; Neoplastic Syndromes, Hereditary; Tumor predisposition; Hereditary Cancer Syndrome. Identifiers: Orphanet 140162, MedGen C0027672, MeSH D009386, MONDO:0015356.

Allele frequency attached by ClinVar (database versions not stated): gnomAD exomes below 0.00001 and 0.00001; ExAC 0.00001; TOPMed 0.00002; gnomAD 0.00003.
gnomAD v4.1: 22 of 1,610,390 alleles (0.0014%); highest among the groups gnomAD compares: African/African-American, 0.004%; no homozygotes.

Submissions 1 to 12 of 18:

GeneDx
Classification: Pathogenic. Last evaluated: 2026-08-01. Review status: criteria provided, single submitter. Criteria: GeneDx Variant Classification Process June 2021. Collection method: clinical testing. Allele origin: germline.
Comment: Not observed at significant frequency in large population cohorts (gnomAD); Nonsense variant predicted to result in protein truncation or nonsense mediated decay in a gene for which loss of function is a known mechanism of disease; This variant is associated with the following publications: (PMID: 26681312, 28709830, 34326862, 32242007, 26720728, 30716324, 30154229, 31512090, 31589614, 33471991, 29922827, 31341520, 38201513)

Hema, HEMA – Genetic and Molecular Diagnostic Laboratory
Classification: Likely pathogenic for Familial ovarian cancer. Last evaluated: 2026-07-17. Review status: criteria provided, single submitter. Criteria: HEMA Variant Classification Assertion Criteria. Collection method: clinical testing. Allele origin: germline.
Comment: The variant c.1372G>T p.(Glu458*) is a transversion from guanine to thymine that results in a premature stop codon at position 458 of BRIP1. PVS1: Null variant (nonsense) in a gene for which loss of function is a known disease mechanism. It is a nonsense variant that introduces a premature stop codon in exon 10/20, which is predicted to lead to nonsense-mediated decay (NMD) of the transcript. PM2_Supporting: Present at very low frequency in the gnomAD v4.1.1 database.

Labcorp Genetics (formerly Invitae), Labcorp
Classification: Pathogenic for Familial cancer of breast; Fanconi anemia complementation group J. Last evaluated: 2026-01-24. Review status: criteria provided, single submitter. Criteria: Invitae Variant Classification Sherloc (09022015). Collection method: clinical testing. Allele origin: germline.
Comment: This sequence change creates a premature translational stop signal (p.Glu458*) in the BRIP1 gene. It is expected to result in an absent or disrupted protein product. Loss-of-function variants in BRIP1 are known to be pathogenic (PMID: 16116423, 17033622, 21964575). The frequency data for this variant in the population databases is considered unreliable, as metrics indicate poor data quality at this position in the gnomAD database. This premature translational stop signal has been observed in individual(s) with breast cancer, ovarian cancer, or glioblastoma (PMID: 26681312, 26720728). ClinVar contains an entry for this variant (Variation ID: 128156). For these reasons, this variant has been classified as Pathogenic.

PreventionGenetics, part of Exact Sciences
Classification: Pathogenic for BRIP1-related condition. Last evaluated: 2026-01-12. Review status: criteria provided, single submitter. Criteria: ACMG Guidelines, 2015. Collection method: clinical testing. Allele origin: germline.
Comment: The BRIP1 c.1372G>T variant is predicted to result in premature protein termination (p.Glu458*). This variant has been reported in individuals with advanced-stage ovarian cancer, breast cancer, glioblastoma and colon polyps (Table S4, Bhai et al. 2021. PubMed ID: 34326862; eTable 1, Norquist et al. 2016. PubMed ID: 26720728; Table S1, Susswein et al. 2016. PubMed ID: 26681312). This variant is reported in 0.0081% of alleles in individuals of African descent in gnomAD and is interpreted as pathogenic in ClinVar (Variation ID: 128156). Nonsense variants in BRIP1 are expected to be pathogenic. This variant is interpreted as pathogenic.

Greenwood Genetic Center Diagnostic Laboratories, Greenwood Genetic Center
Classification: Pathogenic for BRIP1-related disorder. Last evaluated: 2025-11-04. Review status: criteria provided, single submitter. Criteria: ACMG Guidelines, 2015. Collection method: clinical testing. Allele origin: germline.
Comment: PVS1, PS4_Supporting, PM2

Color Diagnostics, LLC DBA Color Health
Classification: Pathogenic for Hereditary cancer-predisposing syndrome. Last evaluated: 2025-08-11. Review status: criteria provided, single submitter. Criteria: ACMG Guidelines, 2015. Collection method: clinical testing. Allele origin: germline.
Comment: This variant changes 1 nucleotide in exon 10 of the BRIP1 gene, creating a premature translation stop signal. This variant is expected to result in an absent or non-functional protein product. This variant has been reported in individuals affected with a personal and/or family history of breast and/or ovarian cancer (PMID: 26681312, 26720728, 28709830, 30154229, 31341520, 31512090) as well as in an individual affected with intraductal papillary mucinous neoplasms (PMID: 30716324). This variant has been identified in 3/279188 chromosomes in the general population by the Genome Aggregation Database (gnomAD). Loss of BRIP1 function is a known mechanism of disease. Based on the available evidence, this variant is classified as Pathogenic.

Center for Genomic Medicine, Rigshospitalet, Copenhagen University Hospital
Classification: Pathogenic. Last evaluated: 2025-03-04. Review status: criteria provided, single submitter. Criteria: ACMG Guidelines, 2015. Collection method: clinical testing. Allele origin: germline.
Comment: Classification criteria: PVS1, PM2

Ambry Genetics
Classification: Pathogenic for Hereditary cancer-predisposing syndrome. Last evaluated: 2025-02-23. Review status: criteria provided, single submitter. Criteria: Ambry Variant Classification Scheme 2023. Collection method: clinical testing. Allele origin: germline.
Comment: The p.E458* pathogenic mutation (also known as c.1372G>T), located in coding exon 9 of the BRIP1 gene, results from a G to T substitution at nucleotide position 1372. This changes the amino acid from a glutamic acid to a stop codon within coding exon 9. This mutation has also been detected in a cohort of 315 patients with intraductal papillary mucinous neoplasms (Skaro M et al. Gastroenterology, 2019 05;156:1905-1913). In addition to the clinical data presented in the literature, this alteration is expected to result in loss of function by premature protein truncation or nonsense-mediated mRNA decay. As such, this alteration is interpreted as a disease-causing mutation.

Quest Diagnostics Nichols Institute San Juan Capistrano
Classification: Pathogenic. Last evaluated: 2024-05-09. Review status: criteria provided, single submitter. Criteria: Quest Diagnostics criteria. Collection method: clinical testing. Allele origin: unknown.
Comment: The BRIP1 c.1372G>T (p.Glu458*) variant causes the premature termination of BRIP1 protein synthesis. This variant has been reported in the published literature in individuals with breast cancer (PMID: 34326862 (2021)), male breast cancer (PMID: 31512090 (2019)), and ovarian cancer (PMID: 32242007 (2020)), 26720728 (2015)). This variant has also been identified in individuals with no personal history of cancer (PMID: 33471991 (2021), 29922827 (2018), 28709830 (2017), see also LOVD). The frequency of this variant in the general population, 0.000011 (3/279188 chromosomes (Genome Aggregation Database)), is consistent with pathogenicity. Based on the available information, this variant is classified as pathogenic.

Baylor Genetics
Classification: Pathogenic for Familial cancer of breast. Last evaluated: 2024-03-05. Review status: criteria provided, single submitter. Criteria: ACMG Guidelines, 2015. Collection method: clinical testing. Allele origin: unknown.

Myriad Genetics, Inc.
Classification: Pathogenic for Familial cancer of breast. Last evaluated: 2023-03-02. Review status: criteria provided, single submitter. Criteria: Myriad Autosomal Dominant, Autosomal Recessive and X-Linked Classification Criteria (2023). Collection method: clinical testing. Allele origin: unknown.
Comment: This variant is considered pathogenic. This variant creates a termination codon and is predicted to result in premature protein truncation.

Fulgent Genetics
Classification: Pathogenic for Familial cancer of breast; Fanconi anemia complementation group J. Last evaluated: 2022-04-17. Review status: criteria provided, single submitter. Criteria: ACMG Guidelines, 2015. Collection method: clinical testing. Allele origin: unknown.

NM_032043.3(BRIP1):c.1372G>T (p.Glu458Ter)

Gene: BRIP1 (BRCA1 interacting DNA helicase 1; minus strand). Cytogenetic location: 17q23.2.
Variant type: single nucleotide variant.
Coding change: c.1372G>T on transcript NM_032043.3 (MANE Select); coding-DNA position 1372, G replaced by T.
Protein change: p.Glu458Ter; replaces glutamic acid 458 with a stop codon.
Molecular consequence: nonsense.
Genome position (GRCh38, 1-based): chr17:61,793,698, C>A on the plus strand (G>T on the coding strand, the complement: BRIP1 is on the minus strand). VCF-style: chr17-61793698-C-A. GRCh37 (hg19) VCF-style: chr17-59871059-C-A.
Other names: p.E458*:GAA>TAA; short protein forms E458*.
Identifiers: ClinVar variation 128156 (VCV000128156.85), dbSNP rs587780228, ClinGen allele CA288517.
Genomic context (GRCh38, chr17:61,793,698, plus strand): 5'-GTAAAGTTAAGAGCATTTCATTTCCACTCCATATTTTACAAGCTGATTCATAATCTCTTT[C>A]TACAAGATATTCAGCGTTTGCTTCTAACCAACTGAAATAAAATAAAACAATTGTGTCAAC-3'